The following is an entry in ClinVar:

ClinVar aggregate classification (germline): Uncertain significance. Review status: criteria provided, multiple submitters, no conflicts (2 of 4 stars). 2 submissions from 2 submitters: Uncertain significance (2). Last evaluated 2024-09-16.

Conditions:
X-linked lymphoproliferative disease due to XIAP deficiency. Also called: XIAP-Related Lymphoproliferative Disease, X-Linked; XIAP DEFICIENCY. Identifiers: Orphanet 2442, Orphanet 538934, MedGen C1845076, MONDO:0010385, OMIM 300635.

Allele frequency attached by ClinVar (database versions not stated): gnomAD exomes below 0.00001.
gnomAD v4.1: 1 of 1,211,372 alleles (0.000083%); highest among the groups gnomAD compares: Non-Finnish European, 0.00011%; no homozygotes.

Submissions (2):

Labcorp Genetics (formerly Invitae), Labcorp
Classification: Uncertain significance for X-linked lymphoproliferative disease due to XIAP deficiency. Last evaluated: 2024-09-16. Review status: criteria provided, single submitter. Criteria: Invitae Variant Classification Sherloc (09022015). Collection method: clinical testing. Allele origin: germline.
Comment: This sequence change replaces arginine, which is basic and polar, with cysteine, which is neutral and slightly polar, at codon 443 of the XIAP protein (p.Arg443Cys). This variant is not present in population databases (gnomAD no frequency). This variant has not been reported in the literature in individuals affected with XIAP-related conditions. ClinVar contains an entry for this variant (Variation ID: 852724). Invitae Evidence Modeling of protein sequence and biophysical properties (such as structural, functional, and spatial information, amino acid conservation, physicochemical variation, residue mobility, and thermodynamic stability) indicates that this missense variant is not expected to disrupt XIAP protein function with a negative predictive value of 80%. In summary, the available evidence is currently insufficient to determine the role of this variant in disease. Therefore, it has been classified as a Variant of Uncertain Significance.

Blueprint Genetics
Classification: Uncertain significance. Last evaluated: 2022-05-30. Review status: criteria provided, single submitter. Criteria: ACMG Guidelines, 2015. Collection method: clinical testing. Allele origin: germline.

NM_001167.4(XIAP):c.1327C>T (p.Arg443Cys)

Gene: XIAP (X-linked inhibitor of apoptosis; plus strand). Cytogenetic location: Xq25.
Variant type: single nucleotide variant.
Coding change: c.1327C>T on transcript NM_001167.4 (MANE Select); coding-DNA position 1327, C replaced by T.
Protein change: p.Arg443Cys; replaces arginine 443 with cysteine.
Molecular consequence: missense variant. On other transcripts: non-coding transcript variant (2).
Genome position (GRCh38, 1-based): chrX:123,907,014, C>T. VCF-style: chrX-123907014-C-T. GRCh37 (hg19) VCF-style: chrX-123040864-C-T.
Other names: c.1327C>T, p.Arg443Cys (NM_001204401.2, NM_001378590.1, NM_001378591.1 and 1 more transcripts); short protein forms R443C.
Identifiers: ClinVar variation 852724 (VCV000852724.10), dbSNP rs1489246570, ClinGen allele CA414127927.